The following is an entry in ClinVar:

NM_020638.3(FGF23):c.720C>T (p.Gly240=)

Gene: FGF23 (fibroblast growth factor 23; minus strand). Cytogenetic location: 12p13.32.
Variant type: single nucleotide variant.
Coding change: c.720C>T on transcript NM_020638.3 (MANE Select); coding-DNA position 720, C replaced by T.
Protein change: p.Gly240=; no amino-acid change (glycine 240 retained).
Molecular consequence: synonymous variant.
Genome position (GRCh38, 1-based): chr12:4,370,379, G>A on the plus strand (C>T on the coding strand, the complement: FGF23 is on the minus strand). VCF-style: chr12-4370379-G-A. GRCh37 (hg19) VCF-style: chr12-4479545-G-A.
Identifiers: ClinVar variation 508399 (VCV000508399.8), dbSNP rs201132379, ClinGen allele CA6395614.
Genomic context (GRCh38, chr12:4,370,379, plus strand): 5'-AAAGAGGGTGCCCTTCCAGCGACCCTAGATGAACTTGGCGAAGGGGCGGCAGCCTTCCGG[G>A]CCCGTTCCCCCAGCGTGCGTGTTCACTCGACCGCCCCTGACCACCCCTAATGGGTCACTG-3'
Protein context (NP_065689.1, residues 230-250): GRVNTHAGGT[Gly240=]PEGCRPFAKF

ClinVar aggregate classification (germline): Likely benign. Review status: criteria provided, multiple submitters, no conflicts (2 of 4 stars). 3 submissions from 3 submitters: Likely benign (3). Last evaluated 2025-10-20.

Allele frequency attached by ClinVar (database versions not stated): gnomAD 0.00001 and 0.00002; ExAC 0.00002; gnomAD exomes 0.00002 and 0.00003; TOPMed 0.00002; 1000 Genomes Project 30x 0.00016; 1000 Genomes Project 0.00020.
gnomAD v4.1: 51 of 1,613,642 alleles (0.0032%); highest among the groups gnomAD compares: Middle Eastern, 0.033%; 1 homozygote.

Submissions (3):

Labcorp Genetics (formerly Invitae), Labcorp
Classification: Likely benign. Last evaluated: 2025-10-20. Review status: criteria provided, single submitter. Criteria: Invitae Variant Classification Sherloc (09022015). Collection method: clinical testing. Allele origin: germline.

Blueprint Genetics
Classification: Likely benign. Last evaluated: 2024-01-23. Review status: criteria provided, single submitter. Criteria: ACMG Guidelines, 2015. Collection method: clinical testing. Allele origin: germline.

GeneDx
Classification: Likely benign. Last evaluated: 2017-03-21. Review status: criteria provided, single submitter. Criteria: GeneDx Variant Classification (06012015). Collection method: clinical testing. Allele origin: germline. Affected: yes.
Comment: This variant is considered likely benign or benign based on one or more of the following criteria: it is a conservative change, it occurs at a poorly conserved position in the protein, it is predicted to be benign by multiple in silico algorithms, and/or has population frequency not consistent with disease.